The following is an entry in ClinVar:

ClinVar aggregate classification (germline): Uncertain significance. Review status: criteria provided, multiple submitters, no conflicts (2 of 4 stars). 3 submissions from 3 submitters: Uncertain significance (2). 1 of the submissions does not count toward it. Last evaluated 2022-08-23.

Conditions:
Usher syndrome type 2A. Also called: RETINAL DISEASE IN USHER SYNDROME TYPE IIA, MODIFIER OF; USHER SYNDROME, TYPE IIA. Identifiers: Orphanet 231178, Orphanet 886, MedGen C1848634, MONDO:0010169, OMIM 276901.

Allele frequency attached by ClinVar (database versions not stated): gnomAD 0.00001; gnomAD exomes 0.00001; ExAC 0.00002; TOPMed 0.00002.
gnomAD v4.1: 6 of 1,614,082 alleles (0.00037%); highest among the groups gnomAD compares: Non-Finnish European, 0.00042%; no homozygotes.

Submissions (3):

Labcorp Genetics (formerly Invitae), Labcorp
Classification: Uncertain significance. Last evaluated: 2022-08-23. Review status: criteria provided, single submitter. Criteria: Invitae Variant Classification Sherloc (09022015). Collection method: clinical testing. Allele origin: germline.
Comment: This sequence change replaces glutamic acid, which is acidic and polar, with lysine, which is basic and polar, at codon 4779 of the USH2A protein (p.Glu4779Lys). This variant is present in population databases (rs769420341, gnomAD 0.002%). This variant has not been reported in the literature in individuals affected with USH2A-related conditions. ClinVar contains an entry for this variant (Variation ID: 1014469). Algorithms developed to predict the effect of missense changes on protein structure and function (SIFT, PolyPhen-2, Align-GVGD) all suggest that this variant is likely to be tolerated. In summary, the available evidence is currently insufficient to determine the role of this variant in disease. Therefore, it has been classified as a Variant of Uncertain Significance.

Blueprint Genetics
Classification: Uncertain significance. Last evaluated: 2021-11-19. Review status: criteria provided, single submitter. Criteria: ACMG Guidelines, 2015. Collection method: clinical testing. Allele origin: germline.

Natera, Inc.
Classification: Uncertain significance for Usher syndrome type 2A. Last evaluated: 2020-04-29. Review status: no assertion criteria provided. Collection method: clinical testing. Allele origin: germline. Not counted in ClinVar's aggregate classification.

NM_206933.4(USH2A):c.14335G>A (p.Glu4779Lys)

Gene: USH2A (usherin; minus strand). Cytogenetic location: 1q41.
Variant type: single nucleotide variant.
Coding change: c.14335G>A on transcript NM_206933.4 (MANE Select); coding-DNA position 14335, G replaced by A.
Protein change: p.Glu4779Lys; replaces glutamic acid 4779 with lysine.
Molecular consequence: missense variant.
Genome position (GRCh38, 1-based): chr1:215,650,600, C>T on the plus strand (G>A on the coding strand, the complement: USH2A is on the minus strand). VCF-style: chr1-215650600-C-T. GRCh37 (hg19) VCF-style: chr1-215823942-C-T.
Other names: short protein forms E4779K.
Identifiers: ClinVar variation 1014469 (VCV001014469.8), dbSNP rs769420341, ClinGen allele CA1393059.